The following is an entry in ClinVar:

NM_001281740.3(FHOD3):c.4157G>A (p.Arg1386Gln)

Gene: FHOD3 (formin homology 2 domain containing 3; plus strand). Cytogenetic location: 18q12.2.
Variant type: single nucleotide variant.
Coding change: c.4157G>A on transcript NM_001281740.3 (MANE Select); coding-DNA position 4157, G replaced by A.
Protein change: p.Arg1386Gln; replaces arginine 1386 with glutamine.
Molecular consequence: missense variant.
Genome position (GRCh38, 1-based): chr18:36,747,060, G>A. VCF-style: chr18-36747060-G-A. GRCh37 (hg19) VCF-style: chr18-34327023-G-A.
Other names: c.3581G>A, p.Arg1194Gln (NM_001281739.3); c.3632G>A, p.Arg1211Gln (NM_025135.5); short protein forms R1386Q, R1211Q, R1194Q.
Identifiers: ClinVar variation 4979729 (VCV004979729.1).

ClinVar aggregate classification (germline): Uncertain significance (1 of 4 stars; one submission).

Conditions:
FHOD3-related disorder. Also called: FHOD3-related condition.

gnomAD v4.1: 27 of 1,613,924 alleles (0.0017%); highest among the groups gnomAD compares: Middle Eastern, 0.016%; no homozygotes.

Submission:

PreventionGenetics, part of Exact Sciences
Classification: Uncertain significance for FHOD3-related condition. Last evaluated: 2026-02-06. Review status: criteria provided, single submitter. Criteria: ACMG Guidelines, 2015. Collection method: clinical testing. Allele origin: germline.
Comment: The FHOD3 c.4157G>A variant is predicted to result in the amino acid substitution p.Arg1386Gln. This variant has been reported in the heterozygous and compound heterozygous states in a family with hypertrophic cardiomyopathy; however, segregation studies in this family were inconclusive (Family H2891 in Online Table 5 and Online Figure 2, Ochoa et al. 2018. PubMed ID: 30442288). In the same study, this variant has also been reported in an unrelated individual with hypertrophic cardiomyopathy (Family H7838 in Online Table 5 and Online Table 7, Ochoa et al. 2018. PubMed ID: 30442288). This variant is reported in 0.0031% of alleles in individuals of European (Non-Finnish) descent in gnomAD. At this time, the clinical significance of this variant is uncertain due to the absence of conclusive functional and genetic evidence.